The following is an entry in ClinVar:

ClinVar aggregate classification (germline): Uncertain significance (1 of 4 stars; one submission).

Conditions:
RASopathy. Also called: Noonan spectrum disorder; rasopathies. Identifiers: Orphanet 536391, MedGen C5555857, MONDO:0021060.

Allele frequency attached by ClinVar (database versions not stated): gnomAD exomes 0.00002.
gnomAD v4.1: 26 of 1,613,844 alleles (0.0016%); highest among the groups gnomAD compares: Non-Finnish European, 0.0022%; no homozygotes.

Submission:

Labcorp Genetics (formerly Invitae), Labcorp
Classification: Uncertain significance for RASopathy. Last evaluated: 2024-03-06. Review status: criteria provided, single submitter. Criteria: Invitae Variant Classification Sherloc (09022015). Collection method: clinical testing. Allele origin: germline.
Comment: This sequence change replaces glycine, which is neutral and non-polar, with glutamic acid, which is acidic and polar, at codon 1289 of the SOS1 protein (p.Gly1289Glu). This variant is not present in population databases (gnomAD no frequency). This variant has not been reported in the literature in individuals affected with SOS1-related conditions. ClinVar contains an entry for this variant (Variation ID: 2072692). Advanced modeling of protein sequence and biophysical properties (such as structural, functional, and spatial information, amino acid conservation, physicochemical variation, residue mobility, and thermodynamic stability) has been performed at Invitae for this missense variant, however the output from this modeling did not meet the statistical confidence thresholds required to predict the impact of this variant on SOS1 protein function. In summary, the available evidence is currently insufficient to determine the role of this variant in disease. Therefore, it has been classified as a Variant of Uncertain Significance.

NM_005633.4(SOS1):c.3866G>A (p.Gly1289Glu)

Gene: SOS1 (SOS Ras/Rac guanine nucleotide exchange factor 1; minus strand). Cytogenetic location: 2p22.1.
Variant type: single nucleotide variant.
Coding change: c.3866G>A on transcript NM_005633.4 (MANE Select); coding-DNA position 3866, G replaced by A.
Protein change: p.Gly1289Glu; replaces glycine 1289 with glutamic acid.
Molecular consequence: missense variant.
Genome position (GRCh38, 1-based): chr2:38,985,960, C>T on the plus strand (G>A on the coding strand, the complement: SOS1 is on the minus strand). VCF-style: chr2-38985960-C-T. GRCh37 (hg19) VCF-style: chr2-39213101-C-T.
Other names: c.3845G>A, p.Gly1282Glu (NM_001382394.1); c.3821G>A, p.Gly1274Glu (NM_001382395.1); short protein forms G1282E, G1274E, G1289E.
Identifiers: ClinVar variation 2072692 (VCV002072692.4), dbSNP rs2528869736, ClinGen allele CA346362156.